The following is an entry in ClinVar:

NM_001261826.3(AP3D1):c.593-17A>G

Gene: AP3D1 (adaptor related protein complex 3 subunit delta 1; minus strand). Cytogenetic location: 19p13.3.
Variant type: single nucleotide variant.
Coding change: c.593-17A>G on transcript NM_001261826.3 (MANE Select); 17 bases into the intron before coding-DNA position 593, A replaced by G.
Molecular consequence: intron variant.
Genome position (GRCh38, 1-based): chr19:2,129,474, T>C on the plus strand (A>G on the coding strand, the complement: AP3D1 is on the minus strand). VCF-style: chr19-2129474-T-C. GRCh37 (hg19) VCF-style: chr19-2129473-T-C.
Other names: c.593-17A>G (NM_003938.8, NM_001374799.1).
Identifiers: ClinVar variation 1235966 (VCV001235966.14), dbSNP rs758287, ClinGen allele CA9059648.

ClinVar aggregate classification (germline): Benign/Likely benign. Review status: criteria provided, multiple submitters, no conflicts (2 of 4 stars). 5 submissions from 5 submitters: Benign (4); Likely benign (1). Last evaluated 2025-08-26.

Allele frequency attached by ClinVar (database versions not stated): ESP Exome Variant Server 0.06429; 1000 Genomes Project 30x 0.22814; 1000 Genomes Project 0.23223; TOPMed 0.30988; gnomAD 0.31572 and 0.31872; gnomAD exomes 0.39343.
gnomAD v4.1: 619,953 of 1,609,250 alleles (39%); highest among the groups gnomAD compares: Non-Finnish European, 42%; 125,159 homozygotes.

Submissions (5):

Labcorp Genetics (formerly Invitae), Labcorp
Classification: Benign. Last evaluated: 2025-08-26. Review status: criteria provided, single submitter. Criteria: Invitae Variant Classification Sherloc (09022015). Collection method: clinical testing. Allele origin: germline.

Blueprint Genetics
Classification: Likely benign. Last evaluated: 2024-11-28. Review status: criteria provided, single submitter. Criteria: ACMG Guidelines, 2015. Collection method: clinical testing. Allele origin: germline.

Unidad de Genómica Garrahan, Hospital de Pediatría Garrahan
Classification: Benign. Last evaluated: 2023-11-12. Review status: criteria provided, single submitter. Criteria: ACMG Guidelines, 2015. Collection method: clinical testing. Allele origin: germline. Affected: no. Observed: 50 variant alleles.
Comment: This variant is classified as Benign based on local population frequency. This variant was detected in 52% of patients studied by a panel of primary immunodeficiencies. Number of patients: 50. Only high quality variants are reported.

GeneDx
Classification: Benign. Last evaluated: 2019-04-07. Review status: criteria provided, single submitter. Criteria: GeneDx Variant Classification Process June 2021. Collection method: clinical testing. Allele origin: germline. Affected: yes.

Breakthrough Genomics
Classification: Benign. Review status: criteria provided, single submitter. Criteria: ACMG Guidelines, 2015. Collection method: not provided. Allele origin: germline. Inheritance: Autosomal recessive inheritance. Affected: yes.